The following is an entry in ClinVar:

ClinVar aggregate classification (germline): Conflicting classifications of pathogenicity. Review status: criteria provided, conflicting classifications (1 of 4 stars). 2 submissions from 2 submitters: Uncertain significance (1); Likely benign (1). Last evaluated 2025-08-14.

Allele frequency attached by ClinVar (database versions not stated): ExAC 0.00002; TOPMed 0.00002; gnomAD 0.00003; ESP Exome Variant Server 0.00008.
gnomAD v4.1: 98 of 1,613,866 alleles (0.0061%); highest among the groups gnomAD compares: Non-Finnish European, 0.0075%; no homozygotes.

Submissions (2):

Ambry Genetics
Classification: Likely benign. Last evaluated: 2025-08-14. Review status: criteria provided, single submitter. Criteria: Ambry Variant Classification Scheme 2023. Collection method: clinical testing. Allele origin: germline.

Labcorp Genetics (formerly Invitae), Labcorp
Classification: Uncertain significance. Last evaluated: 2024-02-22. Review status: criteria provided, single submitter. Criteria: Invitae Variant Classification Sherloc (09022015). Collection method: clinical testing. Allele origin: germline.
Comment: This sequence change replaces glutamic acid, which is acidic and polar, with lysine, which is basic and polar, at codon 1036 of the KANK1 protein (p.Glu1036Lys). This variant is present in population databases (rs367981647, gnomAD 0.01%). This variant has not been reported in the literature in individuals affected with KANK1-related conditions. ClinVar contains an entry for this variant (Variation ID: 2148849). An algorithm developed to predict the effect of missense changes on protein structure and function (PolyPhen-2) suggests that this variant is likely to be tolerated. In summary, the available evidence is currently insufficient to determine the role of this variant in disease. Therefore, it has been classified as a Variant of Uncertain Significance.

NM_015158.5(KANK1):c.3106G>A (p.Glu1036Lys)

Gene: KANK1 (KN motif and ankyrin repeat domains 1; plus strand). Cytogenetic location: 9p24.3.
Variant type: single nucleotide variant.
Coding change: c.3106G>A on transcript NM_015158.5 (MANE Select); coding-DNA position 3106, G replaced by A.
Protein change: p.Glu1036Lys; replaces glutamic acid 1036 with lysine.
Molecular consequence: missense variant. On other transcripts: intron variant (5).
Genome position (GRCh38, 1-based): chr9:732,478, G>A. VCF-style: chr9-732478-G-A. GRCh37 (hg19) VCF-style: chr9-732478-G-A.
Other names: c.3106G>A, p.Glu1036Lys (NM_001256876.3, NM_001256877.3, NM_001354334.2); c.3052G>A, p.Glu1018Lys (NM_001354332.2); c.2632G>A, p.Glu878Lys (NM_001354333.2, NM_001354335.2, NM_001354337.2 and 2 more transcripts); c.2578G>A, p.Glu860Lys (NM_001354338.2, NM_001354340.2, NM_001354344.2); c.3005+1212G>A (NM_001354331.2); c.2477+1212G>A (NM_001354336.2); c.2531+1212G>A (NM_001354339.2, NM_001354343.2, NM_001354342.2); c.3106G>A (NM_015158.2); short protein forms E1036K, E878K, E1018K, E860K.
Identifiers: ClinVar variation 2148849 (VCV002148849.5), dbSNP rs367981647, ClinGen allele CA4960779.
Genomic context (GRCh38, chr9:732,478, plus strand): 5'-AGCTCTTCTTCCGAGTCAGATGACGAGTGTGATGTCATTGAGTATCCTCTTGAAGAAGAG[G>A]AGGAGGAGGAGGATGAAGACACTCGGGGAATGGCAGAAGGGCACCATGCAGTTAATATTG-3'
Protein context (NP_055973.2, residues 1026-1046): DVIEYPLEEE[Glu1036Lys]EEEDEDTRGM